The following is an entry in ClinVar:

NM_001292034.3(TAB2):c.518G>A (p.Arg173Lys)

Gene: TAB2 (TGF-beta activated kinase 1 (MAP3K7) binding protein 2; plus strand). Cytogenetic location: 6q25.1.
Variant type: single nucleotide variant.
Coding change: c.518G>A on transcript NM_001292034.3 (MANE Select); coding-DNA position 518, G replaced by A.
Protein change: p.Arg173Lys; replaces arginine 173 with lysine.
Molecular consequence: missense variant.
Genome position (GRCh38, 1-based): chr6:149,378,433, G>A. VCF-style: chr6-149378433-G-A. GRCh37 (hg19) VCF-style: chr6-149699569-G-A.
Other names: c.422G>A, p.Arg141Lys (NM_001292035.3); c.518G>A, p.Arg173Lys (NM_001369506.1, NM_015093.6); short protein forms R141K, R173K.
Identifiers: ClinVar variation 1956884 (VCV001956884.7), dbSNP rs1413284122, ClinGen allele CA365994834.

ClinVar aggregate classification (germline): Uncertain significance. Review status: criteria provided, multiple submitters, no conflicts (2 of 4 stars). 2 submissions from 2 submitters: Uncertain significance (2). Last evaluated 2025-11-25.

Allele frequency attached by ClinVar (database versions not stated): gnomAD exomes below 0.00001.
gnomAD v4.1: 1 of 1,614,188 alleles (0.000062%); highest among the groups gnomAD compares: South Asian, 0.0011%; no homozygotes.

Submissions (2):

Dasa
Classification: Uncertain significance. Last evaluated: 2025-11-25. Review status: criteria provided, single submitter. Criteria: DASA Assertion Criteria. Collection method: clinical testing. Allele origin: germline.
Comment: NM_001292034.3(TAB2):c.518G>A (p.Arg173Lys) is a missense variant that results in the substitution of arginine with lysine. This variant is rare in population databases. The currently available literature and clinical evidence are not sufficient to establish a definitive association between this variant and the reported condition. Therefore, this variant is classified as a variant of uncertain significance.

Labcorp Genetics (formerly Invitae), Labcorp
Classification: Uncertain significance. Last evaluated: 2022-08-27. Review status: criteria provided, single submitter. Criteria: Invitae Variant Classification Sherloc (09022015). Collection method: clinical testing. Allele origin: germline.
Comment: In summary, the available evidence is currently insufficient to determine the role of this variant in disease. Therefore, it has been classified as a Variant of Uncertain Significance. Algorithms developed to predict the effect of missense changes on protein structure and function (SIFT, PolyPhen-2, Align-GVGD) all suggest that this variant is likely to be disruptive. This variant has not been reported in the literature in individuals affected with TAB2-related conditions. This variant is present in population databases (no rsID available, gnomAD 0.003%). This sequence change replaces arginine, which is basic and polar, with lysine, which is basic and polar, at codon 173 of the TAB2 protein (p.Arg173Lys).